The following is an entry in ClinVar:

NM_000067.3(CA2):c.433A>G (p.Ile145Val)

Gene: CA2 (carbonic anhydrase 2; plus strand). Cytogenetic location: 8q21.2.
Variant type: single nucleotide variant.
Coding change: c.433A>G on transcript NM_000067.3 (MANE Select); coding-DNA position 433, A replaced by G.
Protein change: p.Ile145Val; replaces isoleucine 145 with valine.
Molecular consequence: missense variant.
Genome position (GRCh38, 1-based): chr8:85,474,405, A>G. VCF-style: chr8-85474405-A-G. GRCh37 (hg19) VCF-style: chr8-86386634-A-G.
Other names: c.130A>G, p.Ile44Val (NM_001293675.2); c.433A>G (NM_000067.2); short protein forms I145V, I44V.
Identifiers: ClinVar variation 1399500 (VCV001399500.7), dbSNP rs768827690, ClinGen allele CA4796517.

ClinVar aggregate classification (germline): Conflicting classifications of pathogenicity. Review status: criteria provided, conflicting classifications (1 of 4 stars). 2 submissions from 2 submitters: Uncertain significance (1); Likely benign (1). Last evaluated 2024-01-19.

Conditions:
Inborn genetic diseases. Identifiers: MedGen C0950123, MeSH D030342.

Allele frequency attached by ClinVar (database versions not stated): gnomAD exomes below 0.00001; ExAC 0.00001; gnomAD 0.00001; TOPMed 0.00007.
gnomAD v4.1: 7 of 1,612,596 alleles (0.00043%); highest among the groups gnomAD compares: Admixed American, 0.0033%; no homozygotes.

Submissions (2):

Ambry Genetics
Classification: Likely benign for Inborn genetic diseases. Last evaluated: 2024-01-19. Review status: criteria provided, single submitter. Criteria: Ambry Variant Classification Scheme 2023. Collection method: clinical testing. Allele origin: germline.

Labcorp Genetics (formerly Invitae), Labcorp
Classification: Uncertain significance. Last evaluated: 2022-08-12. Review status: criteria provided, single submitter. Criteria: Invitae Variant Classification Sherloc (09022015). Collection method: clinical testing. Allele origin: germline.
Comment: In summary, the available evidence is currently insufficient to determine the role of this variant in disease. Therefore, it has been classified as a Variant of Uncertain Significance. Algorithms developed to predict the effect of sequence changes on RNA splicing suggest that this variant may disrupt the consensus splice site. Algorithms developed to predict the effect of missense changes on protein structure and function output the following: SIFT: "Tolerated"; PolyPhen-2: "Benign"; Align-GVGD: "Class C0". The valine amino acid residue is found in multiple mammalian species, which suggests that this missense change does not adversely affect protein function. ClinVar contains an entry for this variant (Variation ID: 1399500). This variant has not been reported in the literature in individuals affected with CA2-related conditions. This variant is not present in population databases (gnomAD no frequency). This sequence change replaces isoleucine, which is neutral and non-polar, with valine, which is neutral and non-polar, at codon 145 of the CA2 protein (p.Ile145Val).